The following is an entry in ClinVar:

ClinVar aggregate classification (germline): Likely benign (1 of 4 stars; one submission).

gnomAD v4.1: 194 of 1,559,282 alleles (0.012%); highest among the groups gnomAD compares: Middle Eastern, 0.034%; no homozygotes.

Submission:

CeGaT Center for Human Genetics Tuebingen
Classification: Likely benign. Last evaluated: 2022-05-01. Review status: criteria provided, single submitter. Criteria: CeGaT Center For Human Genetics Tuebingen Variant Classification Criteria Version 2. Collection method: clinical testing. Allele origin: germline. Affected: yes. Observed: 1 variant allele.
Comment: NXPH4: BP4, BP7

NM_007224.4(NXPH4):c.504G>C (p.Leu168=)

Gene: NXPH4 (neurexophilin 4; plus strand). Cytogenetic location: 12q13.3.
Variant type: single nucleotide variant.
Coding change: c.504G>C on transcript NM_007224.4 (MANE Select); coding-DNA position 504, G replaced by C.
Protein change: p.Leu168=; no amino-acid change (leucine 168 retained).
Molecular consequence: synonymous variant.
Genome position (GRCh38, 1-based): chr12:57,225,324, G>C. VCF-style: chr12-57225324-G-C. GRCh37 (hg19) VCF-style: chr12-57619107-G-C.
Identifiers: ClinVar variation 2643130 (VCV002643130.24), dbSNP rs147287568, ClinGen allele CA6646081.
Genomic context (GRCh38, chr12:57,225,324, plus strand): 5'-CAACCTCAGTGTCAGCATCGTGCCGCCCTCCAAGCGTGTCGAGTTCGGAGGAGTCTGGCT[G>C]CCCGGGCCTGTCCCCCACCCTCTGCAGTCTACGCTCGCCCTGGAGGGGGTGCTTCCTGGG-3'
Protein context (NP_009155.1, residues 158-178): SKRVEFGGVW[Leu168=]PGPVPHPLQS